The following is an entry in ClinVar:

ClinVar aggregate classification (germline): Likely benign (1 of 4 stars; one submission).

Submission:

Mayo Clinic Laboratories, Mayo Clinic
Classification: Likely benign. Last evaluated: 2025-03-10. Review status: criteria provided, single submitter. Criteria: ACMG Guidelines, 2015. Collection method: clinical testing. Allele origin: germline. Observed: 1 variant allele.
Comment: BP4, BP7, PM2_supporting

NM_000090.4(COL3A1):c.2652T>C (p.Pro884=)

Gene: COL3A1 (collagen type III alpha 1 chain; plus strand). Cytogenetic location: 2q32.2.
Variant type: single nucleotide variant.
Coding change: c.2652T>C on transcript NM_000090.4 (MANE Select); coding-DNA position 2652, T replaced by C.
Protein change: p.Pro884=; no amino-acid change (proline 884 retained).
Molecular consequence: synonymous variant.
Genome position (GRCh38, 1-based): chr2:189,003,778, T>C. VCF-style: chr2-189003778-T-C. GRCh37 (hg19) VCF-style: chr2-189868504-T-C.
Other names: p.Pro884=.
Identifiers: ClinVar variation 4684629 (VCV004684629.1).